The following is an entry in ClinVar:

ClinVar aggregate classification (germline): Uncertain significance. Review status: criteria provided, multiple submitters, no conflicts (2 of 4 stars). 2 submissions from 2 submitters: Uncertain significance (2). Last evaluated 2024-11-11.

Conditions:
Pityriasis rubra pilaris (PRP). Also called: Pityriasis rubra pilaris--familial type. Identifiers: Orphanet 2897, MedGen C0032027, MONDO:0100017, OMIM 173200, MONDO:0008251.
Psoriasis 2. Identifiers: MedGen C1864497, MONDO:0011269, OMIM 602723.
Inborn genetic diseases. Identifiers: MedGen C0950123, MeSH D030342.

Allele frequency attached by ClinVar (database versions not stated): gnomAD exomes 0.00002; TOPMed 0.00002; gnomAD 0.00004.

Submissions (2):

Labcorp Genetics (formerly Invitae), Labcorp
Classification: Uncertain significance for Pityriasis rubra pilaris; Psoriasis 2. Last evaluated: 2024-11-11. Review status: criteria provided, single submitter. Criteria: Invitae Variant Classification Sherloc (09022015). Collection method: clinical testing. Allele origin: germline.
Comment: This sequence change replaces arginine, which is basic and polar, with histidine, which is basic and polar, at codon 304 of the CARD14 protein (p.Arg304His). The frequency data for this variant in the population databases is considered unreliable, as metrics indicate poor data quality at this position in the gnomAD database. This variant has not been reported in the literature in individuals affected with CARD14-related conditions. ClinVar contains an entry for this variant (Variation ID: 1508592). Invitae Evidence Modeling of protein sequence and biophysical properties (such as structural, functional, and spatial information, amino acid conservation, physicochemical variation, residue mobility, and thermodynamic stability) has been performed for this missense variant. However, the output from this modeling did not meet the statistical confidence thresholds required to predict the impact of this variant on CARD14 protein function. In summary, the available evidence is currently insufficient to determine the role of this variant in disease. Therefore, it has been classified as a Variant of Uncertain Significance.

Ambry Genetics
Classification: Uncertain significance for Inborn genetic diseases. Last evaluated: 2023-07-25. Review status: criteria provided, single submitter. Criteria: Ambry Variant Classification Scheme 2023. Collection method: clinical testing. Allele origin: germline.

NM_001366385.1(CARD14):c.911G>A (p.Arg304His)

Gene: CARD14 (caspase recruitment domain family member 14; plus strand). Cytogenetic location: 17q25.3.
Variant type: single nucleotide variant.
Coding change: c.911G>A on transcript NM_001366385.1 (MANE Select); coding-DNA position 911, G replaced by A.
Protein change: p.Arg304His; replaces arginine 304 with histidine.
Molecular consequence: missense variant. On other transcripts: non-coding transcript variant (1).
Genome position (GRCh38, 1-based): chr17:80,189,820, G>A. VCF-style: chr17-80189820-G-A. GRCh37 (hg19) VCF-style: chr17-78163619-G-A.
Other names: c.911G>A (NM_024110.3); c.911G>A, p.Arg304His (NM_001257970.1, NM_024110.4); c.200G>A, p.Arg67His (NM_052819.3); short protein forms R67H, R304H.
Identifiers: ClinVar variation 1508592 (VCV001508592.8), dbSNP rs1380449564, ClinGen allele CA401343957.
Genomic context (GRCh38, chr17:80,189,820, plus strand): 5'-AGGACATTCTGGAGCAGAGCCTGGACGAGGCGCGGGGGAGCCGACAGGAGCTGGTGGAGC[G>A]CATCCACTCGCTGCGGGAGCGGGCCGTGGCTGCCGAGAGGCAGCGAGAGCAGGTGCCGTG-3'
Protein context (NP_001353314.1, residues 294-314): ARGSRQELVE[Arg304His]IHSLRERAVA